The following is an entry in ClinVar:

NM_000179.3(MSH6):c.3538T>C (p.Ser1180Pro)

Gene: MSH6 (mutS homolog 6; plus strand). Cytogenetic location: 2p16.3.
Variant type: single nucleotide variant.
Coding change: c.3538T>C on transcript NM_000179.3 (MANE Select); coding-DNA position 3538, T replaced by C.
Protein change: p.Ser1180Pro; replaces serine 1180 with proline.
Molecular consequence: missense variant. On other transcripts: non-coding transcript variant (4).
Genome position (GRCh38, 1-based): chr2:47,805,009, T>C. VCF-style: chr2-47805009-T-C. GRCh37 (hg19) VCF-style: chr2-48032148-T-C.
Other names: c.3148T>C, p.Ser1050Pro (NM_001281492.2); c.2632T>C, p.Ser878Pro (NM_001281493.2, NM_001281494.2, NM_001406811.1 and 6 more transcripts); c.3634T>C, p.Ser1212Pro (NM_001406795.1, NM_001406802.1); c.3538T>C, p.Ser1180Pro (NM_001406796.1, NM_001406800.1, NM_001406808.1 and 1 more transcripts); c.3241T>C, p.Ser1081Pro (NM_001406797.1, NM_001406801.1, NM_001406805.1 and 10 more transcripts); c.3364T>C, p.Ser1122Pro (NM_001406798.1); c.3013T>C, p.Ser1005Pro (NM_001406799.1, NM_001406806.1, NM_001406807.1); c.2674T>C, p.Ser892Pro (NM_001406803.1); and 7 more; short protein forms S1050P, S1154P, S495P, S1005P, S1124P, S1180P, S1122P, S1212P.
Identifiers: ClinVar variation 3875074 (VCV003875074.1).

ClinVar aggregate classification (germline): Uncertain significance (1 of 4 stars; one submission).

Conditions:
Hereditary cancer-predisposing syndrome. Also called: Tumor predisposition; Neoplastic Syndromes, Hereditary; Hereditary Cancer Syndrome; Hereditary neoplastic syndrome. Identifiers: Orphanet 140162, MedGen C0027672, MeSH D009386, MONDO:0015356.

Submission:

Ambry Genetics
Classification: Uncertain significance for Hereditary cancer-predisposing syndrome. Last evaluated: 2025-01-10. Review status: criteria provided, single submitter. Criteria: Ambry Variant Classification Scheme 2023. Collection method: clinical testing. Allele origin: germline.
Comment: The p.S1180P variant (also known as c.3538T>C), located in coding exon 6 of the MSH6 gene, results from a T to C substitution at nucleotide position 3538. The serine at codon 1180 is replaced by proline, an amino acid with similar properties. This amino acid position is conserved. In addition, this alteration is predicted to be deleterious by in silico analysis. Based on the available evidence, the clinical significance of this variant remains unclear.